The following is an entry in ClinVar:

ClinVar aggregate classification (germline): Likely benign. Review status: criteria provided, multiple submitters, no conflicts (2 of 4 stars). 5 submissions from 5 submitters: Likely benign (4). 1 of the submissions does not count toward it. Last evaluated 2026-01-11.

Conditions:
COL2A1-related disorder. Also called: COL2A1-related condition; COL2A1-related disorders.

Allele frequency attached by ClinVar (database versions not stated): ExAC 0.00007; gnomAD exomes 0.00008 and 0.00017; gnomAD 0.00009; TOPMed 0.00009; 1000 Genomes Project 30x 0.00016; 1000 Genomes Project 0.00020.
gnomAD v4.1: 266 of 1,614,184 alleles (0.016%); highest among the groups gnomAD compares: South Asian, 0.02%; 1 homozygote.

Submissions (5):

Labcorp Genetics (formerly Invitae), Labcorp
Classification: Likely benign. Last evaluated: 2026-01-11. Review status: criteria provided, single submitter. Criteria: Invitae Variant Classification Sherloc (09022015). Collection method: clinical testing. Allele origin: germline.

CeGaT Center for Human Genetics Tuebingen
Classification: Likely benign. Last evaluated: 2025-10-01. Review status: criteria provided, single submitter. Criteria: CeGaT Center For Human Genetics Tuebingen Variant Classification Criteria Version 2. Collection method: clinical testing. Allele origin: germline. Affected: yes. Observed: 1 variant allele.
Comment: COL2A1: BP4, BP7

Blueprint Genetics
Classification: Likely benign. Last evaluated: 2024-06-17. Review status: criteria provided, single submitter. Criteria: ACMG Guidelines, 2015. Collection method: clinical testing. Allele origin: germline.

GeneDx
Classification: Likely benign. Last evaluated: 2021-09-16. Review status: criteria provided, single submitter. Criteria: GeneDx Variant Classification Process June 2021. Collection method: clinical testing. Allele origin: germline. Affected: yes.

PreventionGenetics, part of Exact Sciences
Classification: Likely benign for COL2A1-related condition. Last evaluated: 2019-08-07. Review status: no assertion criteria provided. Collection method: clinical testing. Allele origin: germline. Not counted in ClinVar's aggregate classification.
Comment: This variant is classified as likely benign based on ACMG/AMP sequence variant interpretation guidelines (Richards et al. 2015 PMID: 25741868, with internal and published modifications).

NM_001844.5(COL2A1):c.3969C>T (p.Cys1323=)

Gene: COL2A1 (collagen type II alpha 1 chain; minus strand). Cytogenetic location: 12q13.11.
Variant type: single nucleotide variant.
Coding change: c.3969C>T on transcript NM_001844.5 (MANE Select); coding-DNA position 3969, C replaced by T.
Protein change: p.Cys1323=; no amino-acid change (cysteine 1323 retained).
Molecular consequence: synonymous variant.
Genome position (GRCh38, 1-based): chr12:47,974,780, G>A on the plus strand (C>T on the coding strand, the complement: COL2A1 is on the minus strand). VCF-style: chr12-47974780-G-A. GRCh37 (hg19) VCF-style: chr12-48368563-G-A.
Other names: c.3762C>T, p.Cys1254= (NM_033150.3).
Identifiers: ClinVar variation 390559 (VCV000390559.23), dbSNP rs577585827, ClinGen allele CA6534589.
Genomic context (GRCh38, chr12:47,974,780, plus strand): 5'-CTCCTTGCTCTTGCTGCTCCACCAGTTCTTCTTGGGAACGTTTGCTGGATTGGGGTAGAC[G>A]CAAGTCTCGCCAGTCTCCATGTTGCAGAAAACCTTCATGGCGTCCAAGGTGCAGCCTTGG-3'
Protein context (NP_001835.3, residues 1313-1333): VFCNMETGET[Cys1323=]VYPNPANVPK